The following is an entry in ClinVar:

NM_001161352.2(KCNMA1):c.2681A>T (p.His894Leu)

Genes: KCNMA1 (potassium calcium-activated channel subfamily M alpha 1; minus strand), KCNMA1-AS1 (KCNMA1 antisense RNA 1; plus strand). Cytogenetic location: 10q22.3.
Variant type: single nucleotide variant.
Coding change: c.2681A>T on transcript NM_001161352.2 (MANE Select); coding-DNA position 2681, A replaced by T.
Protein change: p.His894Leu; replaces histidine 894 with leucine.
Molecular consequence: missense variant.
Genome position (GRCh38, 1-based): chr10:76,949,170, T>A on the plus strand (A>T on the coding strand, the complement: KCNMA1 is on the minus strand). VCF-style: chr10-76949170-T-A. GRCh37 (hg19) VCF-style: chr10-78708928-T-A.
Other names: c.2519A>T, p.His840Leu (NM_001014797.3, NM_001322835.2, NM_001322837.2); c.2630A>T, p.His877Leu (NM_001161353.2); c.2357A>T, p.His786Leu (NM_001271518.2); c.2516A>T, p.His839Leu (NM_001271519.2, NM_001322829.2, NM_001322836.2); c.2528A>T, p.His843Leu (NM_001322830.2); c.2507A>T, p.His836Leu (NM_001322832.2, NM_001410940.1, NM_002247.4); c.2054A>T, p.His685Leu (NM_001322838.2); short protein forms H685L, H836L, H877L, H894L, H839L, H840L, H786L, H843L.
Identifiers: ClinVar variation 2126669 (VCV002126669.4), dbSNP rs2065325262, ClinGen allele CA377406117.

ClinVar aggregate classification (germline): Uncertain significance (1 of 4 stars; one submission).

Conditions:
Generalized epilepsy-paroxysmal dyskinesia syndrome (PNKD3). Also called: Generalized epilepsy and paroxysmal dyskinesia; Paroxysmal nonkinesigenic dyskinesia, 3, with or without generalized epilepsy. Identifiers: Orphanet 79137, MedGen C5574945, MONDO:0012276, OMIM 609446.

Submission:

Labcorp Genetics (formerly Invitae), Labcorp
Classification: Uncertain significance for Generalized epilepsy-paroxysmal dyskinesia syndrome. Last evaluated: 2023-03-01. Review status: criteria provided, single submitter. Criteria: Invitae Variant Classification Sherloc (09022015). Collection method: clinical testing. Allele origin: germline.
Comment: In summary, the available evidence is currently insufficient to determine the role of this variant in disease. Therefore, it has been classified as a Variant of Uncertain Significance. Advanced modeling of protein sequence and biophysical properties (such as structural, functional, and spatial information, amino acid conservation, physicochemical variation, residue mobility, and thermodynamic stability) performed at Invitae indicates that this missense variant is not expected to disrupt KCNMA1 protein function. ClinVar contains an entry for this variant (Variation ID: 2126669). This variant has not been reported in the literature in individuals affected with KCNMA1-related conditions. This variant is not present in population databases (gnomAD no frequency). This sequence change replaces histidine, which is basic and polar, with leucine, which is neutral and non-polar, at codon 836 of the KCNMA1 protein (p.His836Leu).